The following is an entry in ClinVar:

NM_032188.3(KAT8):c.1187T>C (p.Ile396Thr)

Gene: KAT8 (lysine acetyltransferase 8; plus strand). Cytogenetic location: 16p11.2.
Variant type: single nucleotide variant.
Coding change: c.1187T>C on transcript NM_032188.3 (MANE Select); coding-DNA position 1187, T replaced by C.
Protein change: p.Ile396Thr; replaces isoleucine 396 with threonine.
Molecular consequence: missense variant.
Genome position (GRCh38, 1-based): chr16:31,130,775, T>C. VCF-style: chr16-31130775-T-C. GRCh37 (hg19) VCF-style: chr16-31142096-T-C.
Other names: c.1187T>C, p.Ile396Thr (NM_182958.4); short protein forms I396T.
Identifiers: ClinVar variation 4089828 (VCV004089828.1).

ClinVar aggregate classification (germline): Uncertain significance (1 of 4 stars; one submission).

Conditions:
Inborn genetic diseases. Identifiers: MedGen C0950123, MeSH D030342.

Submission:

Ambry Genetics
Classification: Uncertain significance for Inborn genetic diseases. Last evaluated: 2025-07-16. Review status: criteria provided, single submitter. Criteria: Ambry Variant Classification Scheme 2023. Collection method: clinical testing. Allele origin: germline.
Comment: The c.1187T>C (p.I396T) alteration is located in exon 10 (coding exon 10) of the KAT8 gene. This alteration results from a T to C substitution at nucleotide position 1187, causing the isoleucine (I) at amino acid position 396 to be replaced by a threonine (T). This variant was not reported in population-based cohorts in the Genome Aggregation Database (gnomAD). This amino acid position is highly conserved in available vertebrate species. This missense alteration is located in a region that has a low rate of benign missense variation (Lek, 2016; Firth, 2009). This alteration is predicted to be deleterious by in silico analysis. Based on insufficient or conflicting evidence, the clinical significance of this alteration remains unclear.